The following is an entry in ClinVar:

NM_153026.3(PRICKLE1):c.775+19C>T

Gene: PRICKLE1 (prickle planar cell polarity protein 1; minus strand). Cytogenetic location: 12q12.
Variant type: single nucleotide variant.
Coding change: c.775+19C>T on transcript NM_153026.3 (MANE Select); 19 bases into the intron after coding-DNA position 775, C replaced by T.
Molecular consequence: intron variant.
Genome position (GRCh38, 1-based): chr12:42,466,175, G>A on the plus strand (C>T on the coding strand, the complement: PRICKLE1 is on the minus strand). VCF-style: chr12-42466175-G-A. GRCh37 (hg19) VCF-style: chr12-42859977-G-A.
Other names: c.775+19C>T (NM_001144883.2, NM_001144882.2, NM_001144881.2).
Identifiers: ClinVar variation 380466 (VCV000380466.1), dbSNP rs1057520855, ClinGen allele CA16606539.

ClinVar aggregate classification (germline): Likely benign (1 of 4 stars; one submission).

Allele frequency attached by ClinVar (database versions not stated): gnomAD exomes below 0.00001; TOPMed 0.00001.

Submission:

GeneDx
Classification: Likely benign. Last evaluated: 2016-07-13. Review status: criteria provided, single submitter. Criteria: GeneDx Variant Classification (06012015). Collection method: clinical testing. Allele origin: germline. Affected: yes.
Comment: This variant is considered likely benign or benign based on one or more of the following criteria: it is a conservative change, it occurs at a poorly conserved position in the protein, it is predicted to be benign by multiple in silico algorithms, and/or has population frequency not consistent with disease.